The following is an entry in ClinVar:

NM_002887.4(RARS1):c.1820C>T (p.Ala607Val)

Gene: RARS1 (arginyl-tRNA synthetase 1; plus strand). Cytogenetic location: 5q34.
Variant type: single nucleotide variant.
Coding change: c.1820C>T on transcript NM_002887.4 (MANE Select); coding-DNA position 1820, C replaced by T.
Protein change: p.Ala607Val; replaces alanine 607 with valine.
Molecular consequence: missense variant.
Genome position (GRCh38, 1-based): chr5:168,518,009, C>T. VCF-style: chr5-168518009-C-T. GRCh37 (hg19) VCF-style: chr5-167945014-C-T.
Other names: short protein forms A607V.
Identifiers: ClinVar variation 2446291 (VCV002446291.1), dbSNP rs2533404949, ClinGen allele CA362087034.

ClinVar aggregate classification (germline): Uncertain significance (1 of 4 stars; one submission).

Allele frequency attached by ClinVar (database versions not stated): gnomAD exomes below 0.00001.
gnomAD v4.1: 1 of 1,568,940 alleles (0.000064%); highest among the groups gnomAD compares: Non-Finnish European, 0.000086%; no homozygotes.

Submission:

GeneDx
Classification: Uncertain significance. Last evaluated: 2022-09-23. Review status: criteria provided, single submitter. Criteria: GeneDx Variant Classification Process June 2021. Collection method: clinical testing. Allele origin: germline. Affected: yes.
Comment: Not observed at significant frequency in large population cohorts (gnomAD); In silico analysis supports that this missense variant does not alter protein structure/function; Has not been previously published as pathogenic or benign to our knowledge